The following is an entry in ClinVar:

ClinVar aggregate classification (germline): Uncertain significance (1 of 4 stars; one submission).

Submission:

Labcorp Genetics (formerly Invitae), Labcorp
Classification: Uncertain significance. Last evaluated: 2022-11-01. Review status: criteria provided, single submitter. Criteria: Invitae Variant Classification Sherloc (09022015). Collection method: clinical testing. Allele origin: germline.
Comment: This sequence change replaces histidine, which is basic and polar, with tyrosine, which is neutral and polar, at codon 1558 of the KIDINS220 protein (p.His1558Tyr). In summary, the available evidence is currently insufficient to determine the role of this variant in disease. Therefore, it has been classified as a Variant of Uncertain Significance. Algorithms developed to predict the effect of missense changes on protein structure and function are either unavailable or do not agree on the potential impact of this missense change (SIFT: "Deleterious"; PolyPhen-2: "Benign"; Align-GVGD: "Class C0"). ClinVar contains an entry for this variant (Variation ID: 1348195). This variant has not been reported in the literature in individuals affected with KIDINS220-related conditions. This variant is not present in population databases (gnomAD no frequency).

NM_020738.4(KIDINS220):c.4672C>T (p.His1558Tyr)

Gene: KIDINS220 (kinase D interacting substrate 220; minus strand). Cytogenetic location: 2p25.1.
Variant type: single nucleotide variant.
Coding change: c.4672C>T on transcript NM_020738.4 (MANE Select); coding-DNA position 4672, C replaced by T.
Protein change: p.His1558Tyr; replaces histidine 1558 with tyrosine.
Molecular consequence: missense variant. On other transcripts: intron variant (6).
Genome position (GRCh38, 1-based): chr2:8,731,364, G>A on the plus strand (C>T on the coding strand, the complement: KIDINS220 is on the minus strand). VCF-style: chr2-8731364-G-A. GRCh37 (hg19) VCF-style: chr2-8871494-G-A.
Other names: c.4675C>T, p.His1559Tyr (NM_001348729.2); c.4618C>T, p.His1540Tyr (NM_001348731.2); c.4615C>T, p.His1539Tyr (NM_001348732.2); c.4504C>T, p.His1502Tyr (NM_001348734.2); c.4501C>T, p.His1501Tyr (NM_001348735.2); c.4375C>T, p.His1459Tyr (NM_001348736.2); c.3882+2080C>T (NM_001348741.2, NM_001348742.2, NM_001348743.2); c.3996+2080C>T (NM_001348738.2); and 1 more; short protein forms H1501Y, H1502Y, H1558Y, H1539Y, H1540Y, H1559Y, H1459Y.
Identifiers: ClinVar variation 1348195 (VCV001348195.8), dbSNP rs766678072, ClinGen allele CA345763246.